The following is an entry in ClinVar:

ClinVar aggregate classification (germline): Uncertain significance. Review status: criteria provided, multiple submitters, no conflicts (2 of 4 stars). 3 submissions from 3 submitters: Uncertain significance (3). Last evaluated 2025-11-09.

Conditions:
Cardiomyopathy (CMYO). Also called: Cardiomyopathies. Identifiers: Orphanet 167848, MedGen C0878544, MONDO:0004994, HP:0001638. Inheritance: Various modes of inheritance.
Arrhythmogenic right ventricular dysplasia 10. Also called: Arrhythmogenic Right Ventricular Dysplasia/Cardiomyopathy10; Arrhythmogenic right ventricular dysplasia/cardiomyopathy, type 10; ARRHYTHMOGENIC RIGHT VENTRICULAR DYSPLASIA, FAMILIAL, 10. Identifiers: MedGen C1857777, MONDO:0012434, OMIM 610193.

Allele frequency attached by ClinVar (database versions not stated): gnomAD exomes below 0.00001.
gnomAD v4.1: 2 of 1,614,168 alleles (0.00012%); highest among the groups gnomAD compares: Non-Finnish European, 0.00017%; no homozygotes.

Submissions (3):

Labcorp Genetics (formerly Invitae), Labcorp
Classification: Uncertain significance for Arrhythmogenic right ventricular dysplasia 10. Last evaluated: 2025-11-09. Review status: criteria provided, single submitter. Criteria: Invitae Variant Classification Sherloc (09022015). Collection method: clinical testing. Allele origin: germline.
Comment: This sequence change replaces lysine, which is basic and polar, with arginine, which is basic and polar, at codon 367 of the DSG2 protein (p.Lys367Arg). This variant is not present in population databases (gnomAD no frequency). This variant has not been reported in the literature in individuals affected with DSG2-related conditions. ClinVar contains an entry for this variant (Variation ID: 373606). Invitae Evidence Modeling of protein sequence and biophysical properties (such as structural, functional, and spatial information, amino acid conservation, physicochemical variation, residue mobility, and thermodynamic stability) indicates that this missense variant is not expected to disrupt DSG2 protein function with a negative predictive value of 95%. In summary, the available evidence is currently insufficient to determine the role of this variant in disease. Therefore, it has been classified as a Variant of Uncertain Significance.

Color Diagnostics, LLC DBA Color Health
Classification: Uncertain significance for Cardiomyopathy. Last evaluated: 2025-06-23. Review status: criteria provided, single submitter. Criteria: ACMG Guidelines, 2015. Collection method: clinical testing. Allele origin: germline.
Comment: This missense variant replaces lysine with arginine at codon 367 of the DSG2 protein. Computational prediction suggests that this variant may not impact protein structure and function. To our knowledge, functional studies have not been reported for this variant. This variant has not been reported in individuals affected with DSG2-related disorders in the literature. This variant has not been identified in the general population by the Genome Aggregation Database (gnomAD). The available evidence is insufficient to determine the role of this variant in disease conclusively. Therefore, this variant is classified as a Variant of Uncertain Significance.

GeneDx
Classification: Uncertain significance. Last evaluated: 2016-11-30. Review status: criteria provided, single submitter. Criteria: GeneDx Variant Classification (06012015). Collection method: clinical testing. Allele origin: germline. Affected: yes.
Comment: A variant of uncertain significance has been identified in the DSG2 gene. The K367R variant has not been published as a pathogenic variant, nor has it been reported as a benign variant to our knowledge. This variant was not observed in approximately 5,900 individuals of European and African American ancestry in the NHLBI Exome Sequencing Project, indicating it is not a common benign variant in these populations. However, K367R variant is a conservative amino acid substitution, which is not likely to impact secondary protein structure as these residues share similar properties. Additionally, this substitution occurs at a position that is not conserved across species and in silico analysis predicts this variant likely does not alter the protein structure/function.Therefore, based on the currently available information, it is unclear whether this variant is pathogenic or rare benign.

NM_001943.5(DSG2):c.1100A>G (p.Lys367Arg)

Gene: DSG2 (desmoglein 2; plus strand). Cytogenetic location: 18q12.1.
Variant type: single nucleotide variant.
Coding change: c.1100A>G on transcript NM_001943.5 (MANE Select); coding-DNA position 1100, A replaced by G.
Protein change: p.Lys367Arg; replaces lysine 367 with arginine.
Molecular consequence: missense variant.
Genome position (GRCh38, 1-based): chr18:31,531,072, A>G. VCF-style: chr18-31531072-A-G. GRCh37 (hg19) VCF-style: chr18-29111035-A-G.
Other names: c.1100A>G (LRG_397t1); short protein forms K367R.
Identifiers: ClinVar variation 373606 (VCV000373606.6), dbSNP rs1057518504, ClinGen allele CA16043062.